The following is an entry in ClinVar:

NM_024642.5(GALNT12):c.745G>A (p.Glu249Lys)

Gene: GALNT12 (polypeptide N-acetylgalactosaminyltransferase 12; plus strand). Cytogenetic location: 9q22.33.
Variant type: single nucleotide variant.
Coding change: c.745G>A on transcript NM_024642.5 (MANE Select); coding-DNA position 745, G replaced by A.
Protein change: p.Glu249Lys; replaces glutamic acid 249 with lysine.
Molecular consequence: missense variant.
Genome position (GRCh38, 1-based): chr9:98,831,785, G>A. VCF-style: chr9-98831785-G-A. GRCh37 (hg19) VCF-style: chr9-101594067-G-A.
Other names: short protein forms E249K.
Identifiers: ClinVar variation 1759014 (VCV001759014.6), dbSNP rs1347415125, ClinGen allele CA374217916.

ClinVar aggregate classification (germline): Uncertain significance. Review status: criteria provided, multiple submitters, no conflicts (2 of 4 stars). 2 submissions from 2 submitters: Uncertain significance (2). Last evaluated 2025-09-01.

Allele frequency attached by ClinVar (database versions not stated): gnomAD exomes 0.00001.
gnomAD v4.1: 8 of 1,614,192 alleles (0.0005%); highest among the groups gnomAD compares: East Asian, 0.018%; no homozygotes.

Submissions (2):

Ambry Genetics
Classification: Uncertain significance. Last evaluated: 2025-09-01. Review status: criteria provided, single submitter. Criteria: Ambry Variant Classification Scheme 2023. Collection method: clinical testing. Allele origin: germline.
Comment: The p.E249K variant (also known as c.745G>A), located in coding exon 4 of the GALNT12 gene, results from a G to A substitution at nucleotide position 745. The glutamic acid at codon 249 is replaced by lysine, an amino acid with similar properties. This amino acid position is conserved. In addition, this alteration is predicted to be tolerated by in silico analysis. Since supporting evidence is limited at this time, the clinical significance of this alteration remains unclear.

Labcorp Genetics (formerly Invitae), Labcorp
Classification: Uncertain significance. Last evaluated: 2023-03-23. Review status: criteria provided, single submitter. Criteria: Invitae Variant Classification Sherloc (09022015). Collection method: clinical testing. Allele origin: germline.
Comment: In summary, the available evidence is currently insufficient to determine the role of this variant in disease. Therefore, it has been classified as a Variant of Uncertain Significance. Advanced modeling of protein sequence and biophysical properties (such as structural, functional, and spatial information, amino acid conservation, physicochemical variation, residue mobility, and thermodynamic stability) performed at Invitae indicates that this missense variant is not expected to disrupt GALNT12 protein function. ClinVar contains an entry for this variant (Variation ID: 1759014). This variant has not been reported in the literature in individuals affected with GALNT12-related conditions. This variant is not present in population databases (gnomAD no frequency). This sequence change replaces glutamic acid, which is acidic and polar, with lysine, which is basic and polar, at codon 249 of the GALNT12 protein (p.Glu249Lys).